The following is an entry in ClinVar:

ClinVar aggregate classification (germline): Uncertain significance (1 of 4 stars; one submission).

Conditions:
Inborn genetic diseases. Identifiers: MedGen C0950123, MeSH D030342.

Allele frequency attached by ClinVar (database versions not stated): gnomAD 0.00006; ExAC 0.00014; ESP Exome Variant Server 0.00028.

Submission:

Ambry Genetics
Classification: Uncertain significance for Inborn genetic diseases. Last evaluated: 2021-01-05. Review status: criteria provided, single submitter. Criteria: Ambry Variant Classification Scheme 2023. Collection method: clinical testing. Allele origin: germline.
Comment: The c.473G>A (p.R158Q) alteration is located in exon 2 (coding exon 2) of the AVPR2 gene. This alteration results from a G to A substitution at nucleotide position 473, causing the arginine (R) at amino acid position 158 to be replaced by a glutamine (Q). The p.R158Q alteration is predicted to be tolerated by in silico analysis. Based on insufficient or conflicting evidence, the clinical significance of this alteration remains unclear.

NM_000054.7(AVPR2):c.473G>A (p.Arg158Gln)

Gene: AVPR2 (arginine vasopressin receptor 2; plus strand). Cytogenetic location: Xq28.
Variant type: single nucleotide variant.
Coding change: c.473G>A on transcript NM_000054.7 (MANE Select); coding-DNA position 473, G replaced by A.
Protein change: p.Arg158Gln; replaces arginine 158 with glutamine.
Molecular consequence: missense variant.
Genome position (GRCh38, 1-based): chrX:153,905,979, G>A. VCF-style: chrX-153905979-G-A. GRCh37 (hg19) VCF-style: chrX-153171433-G-A.
Other names: c.473G>A, p.Arg158Gln (NM_001146151.3); short protein forms R158Q.
Identifiers: ClinVar variation 2205516 (VCV002205516.2), dbSNP rs148534516, ClinGen allele CA10555012.